The following is an entry in ClinVar:

ClinVar aggregate classification (germline): Pathogenic (1 of 4 stars; one submission).

Conditions:
Megalencephalic leukoencephalopathy with subcortical cysts 1 (MLC1). Also called: LEUKOENCEPHALOPATHY WITH SWELLING AND CYSTS; VACUOLATING MEGALENCEPHALIC LEUKOENCEPHALOPATHY WITH SUBCORTICAL CYSTS. Identifiers: Orphanet 2478, MedGen C5779875, MONDO:0024555, OMIM 604004.

Submission:

Myriad Genetics, Inc.
Classification: Pathogenic for Megalencephalic leukoencephalopathy with subcortical cysts 1. Last evaluated: 2023-09-27. Review status: criteria provided, single submitter. Criteria: Myriad Autosomal Dominant, Autosomal Recessive and X-Linked Classification Criteria (2023). Collection method: clinical testing. Allele origin: unknown.
Comment: NM_015166.3(MLC1):c.66dupG(Q23Afs*57) is expected to be pathogenic in the context of megalencephalic leukoencephalopathy with subcortical cysts. This variant is predicted to lead to an abnormal or absent protein product due to the creation of a premature termination codon in MLC1, a gene where loss-of-function variants are known to be pathogenic. Please note: this variant was assessed in the context of healthy population screening.

NM_015166.4(MLC1):c.66dup (p.Gln23fs)

Gene: MLC1 (modulator of VRAC current 1; minus strand). Cytogenetic location: 22q13.33.
Variant type: Duplication.
Coding change: c.66dup on transcript NM_015166.4 (MANE Select); coding-DNA position 66, one base duplicated (G; older notation c.66dupG).
Protein change: p.Gln23fs; shifts the reading frame from glutamine 23.
Molecular consequence: frameshift variant. On other transcripts: non-coding transcript variant (3), intron variant (1).
Genome position (GRCh38, 1-based): chr22:50,084,837, C duplicated on the plus strand (G on the coding strand, the reverse complement: MLC1 is on the minus strand); the first of 2 consecutive C bases (chr22:50,084,837-50,084,838); duplicating either gives the same sequence. VCF-style (leftmost placement, unchanged base first): chr22-50084836-G-GC. GRCh37 (hg19) VCF-style: chr22-50523265-G-GC.
Other names: c.66dup, p.Gln23fs (NM_001376472.1, NM_001376473.1, NM_001376474.1 and 10 more transcripts); c.-59+518dup (NM_001376484.1); short protein forms Q23fs.
Identifiers: ClinVar variation 5012189 (VCV005012189.1).